The following is an entry in ClinVar:

ClinVar aggregate classification (germline): Uncertain significance (1 of 4 stars; one submission).

Submission:

Greenwood Genetic Center Diagnostic Laboratories, Greenwood Genetic Center
Classification: Uncertain significance. Last evaluated: 2024-08-27. Review status: criteria provided, single submitter. Criteria: ACMG Guidelines, 2015. Collection method: clinical testing. Allele origin: germline. Affected: yes.
Comment: PM2, PP2

NM_001005273.3(CHD3):c.822C>A (p.Ser274Arg)

Genes: CHD3 (chromodomain helicase DNA binding protein 3; plus strand), LOC126862484 (CDK7 strongly-dependent group 2 enhancer GRCh37_chr17:7797066-7798265; plus strand). Cytogenetic location: 17p13.1.
Variant type: single nucleotide variant.
Coding change: c.822C>A on transcript NM_001005273.3 (MANE Select); coding-DNA position 822, C replaced by A.
Protein change: p.Ser274Arg; replaces serine 274 with arginine.
Molecular consequence: missense variant.
Genome position (GRCh38, 1-based): chr17:7,893,833, C>A. VCF-style: chr17-7893833-C-A. GRCh37 (hg19) VCF-style: chr17-7797151-C-A.
Other names: c.999C>A, p.Ser333Arg (NM_001005271.3); c.822C>A, p.Ser274Arg (NM_005852.4); short protein forms S274R, S333R.
Identifiers: ClinVar variation 3765608 (VCV003765608.1).
Genomic context (GRCh38, chr17:7,893,833, plus strand): 5'-TTTTCCTCTTCTCACCCCGACTCCTCATTCAGGTCCAGGCCATAAGAGGCGGAGTAAGAG[C>A]CCCCGAGTGCCTGATGGACGCAAGAAGCTTCGGGGAAAGAAAATGGCACCACTCAAAATA-3'
Protein context (NP_001005273.1, residues 264-284): KGPGHKRRSK[Ser274Arg]PRVPDGRKKL